The following is an entry in ClinVar:

ClinVar aggregate classification (germline): Uncertain significance (1 of 4 stars; one submission).

Conditions:
Inborn genetic diseases. Identifiers: MedGen C0950123, MeSH D030342.

Submission:

Ambry Genetics
Classification: Uncertain significance for Inborn genetic diseases. Last evaluated: 2021-12-11. Review status: criteria provided, single submitter. Criteria: Ambry Variant Classification Scheme 2023. Collection method: clinical testing. Allele origin: germline.
Comment: The p.V187G variant (also known as c.560T>G), located in coding exon 5 of the AKT1 gene, results from a T to G substitution at nucleotide position 560. The valine at codon 187 is replaced by glycine, an amino acid with dissimilar properties. This amino acid position is conserved. In addition, the in silico prediction for this alteration is inconclusive. Since supporting evidence is limited at this time, the clinical significance of this alteration remains unclear.

NM_001382430.1(AKT1):c.560T>G (p.Val187Gly)

Gene: AKT1 (AKT serine/threonine kinase 1; minus strand). Cytogenetic location: 14q32.33.
Variant type: single nucleotide variant.
Coding change: c.560T>G on transcript NM_001382430.1 (MANE Select); coding-DNA position 560, T replaced by G.
Protein change: p.Val187Gly; replaces valine 187 with glycine.
Molecular consequence: missense variant.
Genome position (GRCh38, 1-based): chr14:104,775,083, A>C on the plus strand (T>G on the coding strand, the complement: AKT1 is on the minus strand). VCF-style: chr14-104775083-A-C. GRCh37 (hg19) VCF-style: chr14-105241420-A-C.
Other names: c.560T>G, p.Val187Gly (NM_001014431.2, NM_001014432.2, NM_001382431.1 and 3 more transcripts); short protein forms V187G.
Identifiers: ClinVar variation 1748631 (VCV001748631.2), dbSNP rs2140916408, ClinGen allele CA391219317.
Genomic context (GRCh38, chr14:104,775,083, plus strand): 5'-GAGCTGCCACCCCGCACCCTCATCTCCACCCTGCCCCACCGCCCCGGCCCCACCTTGGCC[A>C]CGATGACTTCCTTCTTGAGGATCTTCATGGCGTAGTAGCGGCCTGTGGCCTTCTCCTTCA-3'
Protein context (NP_001369359.1, residues 177-197): AMKILKKEVI[Val187Gly]AKDEVAHTLT